The following is an entry in ClinVar:

ClinVar aggregate classification (germline): Pathogenic (1 of 4 stars; one submission).

Conditions:
X-linked mixed hearing loss with perilymphatic gusher. Also called: Deafness, X-linked 2; NANCE DEAFNESS; PERILYMPHATIC GUSHER-DEAFNESS SYNDROME; SENSORINEURAL DEAFNESS, PROFOUND, WITH OR WITHOUT A CONDUCTIVE COMPONENT, ASSOCIATED WITH A UNIQUE DEVELOPMENTAL ABNORMALITY OF THE EAR; Gusher syndrome. Identifiers: Orphanet 383, MedGen C1844678, MONDO:0010576, OMIM 304400.

Submission:

Institute of Rare Diseases, West China Hospital, Sichuan University
Classification: Pathogenic for X-linked mixed hearing loss with perilymphatic gusher. Last evaluated: 2025-01-09. Review status: criteria provided, single submitter. Criteria: ClinGen HL ACMG Specifications v1. Collection method: research. Allele origin: germline. Affected: yes.
Comment: PVS1;PM3_Supporting;PM2_Supporting

NM_000307.5(POU3F4):c.1085G>C (p.Ter362Ser)

Gene: POU3F4 (POU class 3 homeobox 4; plus strand). Cytogenetic location: Xq21.1.
Variant type: single nucleotide variant.
Coding change: c.1085G>C on transcript NM_000307.5 (MANE Select); coding-DNA position 1085, G replaced by C.
Protein change: p.Ter362Ser.
Molecular consequence: stop lost.
Genome position (GRCh38, 1-based): chrX:83,509,409, G>C. VCF-style: chrX-83509409-G-C. GRCh37 (hg19) VCF-style: chrX-82764417-G-C.
Identifiers: ClinVar variation 3601644 (VCV003601644.1).